The following is an entry in ClinVar:

ClinVar aggregate classification (germline): Uncertain significance (1 of 4 stars; one submission).

Conditions:
Inborn genetic diseases. Identifiers: MedGen C0950123, MeSH D030342.

gnomAD v4.1: 3 of 1,613,814 alleles (0.00019%); highest among the groups gnomAD compares: African/African-American, 0.004%; no homozygotes.

Submission:

Ambry Genetics
Classification: Uncertain significance for Inborn genetic diseases. Last evaluated: 2025-05-22. Review status: criteria provided, single submitter. Criteria: Ambry Variant Classification Scheme 2023. Collection method: clinical testing. Allele origin: germline.
Comment: The p.L56V variant (also known as c.166C>G), located in coding exon 4 of the ASXL1 gene, results from a C to G substitution at nucleotide position 166. The leucine at codon 56 is replaced by valine, an amino acid with highly similar properties. This amino acid position is conserved. In addition, the in silico prediction for this alteration is inconclusive. Based on the available evidence, the clinical significance of this variant remains unclear.

NM_015338.6(ASXL1):c.166C>G (p.Leu56Val)

Gene: ASXL1 (ASXL transcriptional regulator 1; plus strand). Cytogenetic location: 20q11.21.
Variant type: single nucleotide variant.
Coding change: c.166C>G on transcript NM_015338.6 (MANE Select); coding-DNA position 166, C replaced by G.
Protein change: p.Leu56Val; replaces leucine 56 with valine.
Molecular consequence: missense variant.
Genome position (GRCh38, 1-based): chr20:32,369,037, C>G. VCF-style: chr20-32369037-C-G. GRCh37 (hg19) VCF-style: chr20-30956840-C-G.
Other names: c.166C>G, p.Leu56Val (NM_001164603.1); c.136C>G, p.Leu46Val (NM_001363734.1); short protein forms L46V, L56V.
Identifiers: ClinVar variation 3957185 (VCV003957185.1).